The following is an entry in ClinVar:

ClinVar aggregate classification (germline): Uncertain significance. Review status: criteria provided, single submitter (1 of 4 stars). 2 submissions from 2 submitters: Uncertain significance (1). 1 of the submissions does not count toward it. Last evaluated 2024-05-23.

Conditions:
VWF-related disorder. Also called: VWF-related condition; VWF-related disorders.

Allele frequency attached by ClinVar (database versions not stated): gnomAD exomes 0.00002; gnomAD 0.00004; TOPMed 0.00004; ExAC 0.00009; 1000 Genomes Project 30x 0.00016; 1000 Genomes Project 0.00020.
gnomAD v4.1: 31 of 1,613,218 alleles (0.0019%); highest among the groups gnomAD compares: East Asian, 0.062%; no homozygotes.

Submissions (2):

Women's Health and Genetics/Laboratory Corporation of America, LabCorp
Classification: Uncertain significance. Last evaluated: 2024-05-23. Review status: criteria provided, single submitter. Criteria: LabCorp Variant Classification Summary - May 2015. Collection method: clinical testing. Allele origin: germline.
Comment: Variant summary: VWF c.7081+4A>T alters a conserved nucleotide located close to a canonical splice site and therefore could affect mRNA splicing, leading to a significantly altered protein sequence. Several computational tools predict a significant impact on normal splicing: Three predict the variant weakens a 5' donor site. One predicts the variant has no significant impact on splicing. However, these predictions have yet to be confirmed by functional studies. The variant allele was found at a frequency of 6.4e-05 in 248550 control chromosomes (gnomAD). c.7081+4A>T has been reported in the literature in at least one individual with severe hypertension associated with thrombotic microangiopathy (example: Chen_2023) without strong evidence of causality. This report does not provide unequivocal conclusions about association of the variant with Von Willebrand Disease. To our knowledge, no experimental evidence demonstrating an impact on protein function has been reported. The following publication has been ascertained in the context of this evaluation (PMID: 37103770). ClinVar contains an entry for this variant (Variation ID: 3047994). Based on the evidence outlined above, the variant was classified as uncertain significance.

PreventionGenetics, part of Exact Sciences
Classification: Likely benign for VWF-related condition. Last evaluated: 2019-12-03. Review status: no assertion criteria provided. Collection method: clinical testing. Allele origin: germline. Not counted in ClinVar's aggregate classification.
Comment: This variant is classified as likely benign based on ACMG/AMP sequence variant interpretation guidelines (Richards et al. 2015 PMID: 25741868, with internal and published modifications).

Literature cited by the submitters: PubMed 37103770 (cited by Women's Health and Genetics/Laboratory Corporation of America, LabCorp).

NM_000552.5(VWF):c.7081+4A>T

Gene: VWF (von Willebrand factor; minus strand). Cytogenetic location: 12p13.31.
Variant type: single nucleotide variant.
Coding change: c.7081+4A>T on transcript NM_000552.5 (MANE Select); 4 bases into the intron after coding-DNA position 7081, A replaced by T.
Molecular consequence: intron variant.
Genome position (GRCh38, 1-based): chr12:5,983,146, T>A on the plus strand (A>T on the coding strand, the complement: VWF is on the minus strand). VCF-style: chr12-5983146-T-A. GRCh37 (hg19) VCF-style: chr12-6092312-T-A.
Identifiers: ClinVar variation 3047994 (VCV003047994.3), dbSNP rs201531207, ClinGen allele CA6401789.